The following is an entry in ClinVar:

NM_001127178.3(PIGG):c.1456G>A (p.Val486Ile)

Gene: PIGG (phosphatidylinositol glycan anchor biosynthesis class G (EMM blood group); plus strand). Cytogenetic location: 4p16.3.
Variant type: single nucleotide variant.
Coding change: c.1456G>A on transcript NM_001127178.3 (MANE Select); coding-DNA position 1456, G replaced by A.
Protein change: p.Val486Ile; replaces valine 486 with isoleucine.
Molecular consequence: missense variant. On other transcripts: 3 prime UTR variant (2), 5 prime UTR variant (2), non-coding transcript variant (10).
Genome position (GRCh38, 1-based): chr4:521,783, G>A. VCF-style: chr4-521783-G-A. GRCh37 (hg19) VCF-style: chr4-515572-G-A.
Other names: c.1189G>A, p.Val397Ile (NM_001289051.2, NM_001289053.2, NM_001345986.2); c.1057G>A, p.Val353Ile (NM_001289052.2); c.*18G>A (NM_001289055.2); c.*71G>A (NM_001289057.2); c.1165G>A, p.Val389Ile (NM_001345987.2); c.427G>A, p.Val143Ile (NM_001345988.2); c.1456G>A, p.Val486Ile (NM_001345989.2); c.-78G>A (NM_001345990.2, NM_001345991.2); and 2 more; short protein forms V397I, V353I, V486I, V120I, V143I, V389I, V478I.
Identifiers: ClinVar variation 953327 (VCV000953327.7), dbSNP rs747223582, ClinGen allele CA2793320.
Genomic context (GRCh38, chr4:521,783, plus strand): 5'-CCACTGTCATCTCCTGGGTTTTCTCTGCTCTTTTATTTGGTGATCCTGGTTCTTTCGGCC[G>A]TTCACGTCATTGTGTGCACCTCAGCTGAAAGTTCGTGCTACTTCTGTGGCCTCTCGTGGC-3'
Protein context (NP_001120650.1, residues 476-496): FYLVILVLSA[Val486Ile]HVIVCTSAES

ClinVar aggregate classification (germline): Uncertain significance. Review status: criteria provided, multiple submitters, no conflicts (2 of 4 stars). 2 submissions from 2 submitters: Uncertain significance (2). Last evaluated 2025-09-08.

Conditions:
Intellectual disability, autosomal recessive 53 (NEDHSCA). Also called: GLYCOSYLPHOSPHATIDYLINOSITOL BIOSYNTHESIS DEFECT 13; Mental retardation, autosomal recessive 53; NEURODEVELOPMENTAL DISORDER WITH OR WITHOUT HYPOTONIA, SEIZURES, AND CEREBELLAR ATROPHY. Identifiers: Orphanet 488635, MedGen C4310794, MONDO:0014832, OMIM 616917.

Allele frequency attached by ClinVar (database versions not stated): gnomAD exomes 0.00005 and 0.00003; TOPMed 0.00005; gnomAD 0.00001 and 0.00003; ExAC 0.00004.
gnomAD v4.1: 57 of 1,614,080 alleles (0.0035%); highest among the groups gnomAD compares: Admixed American, 0.015%; no homozygotes.

Submissions (2):

GeneDx
Classification: Uncertain significance. Last evaluated: 2025-09-08. Review status: criteria provided, single submitter. Criteria: GeneDx Variant Classification Process June 2021. Collection method: clinical testing. Allele origin: germline.
Comment: In silico analysis suggests that this missense variant does not alter protein structure/function; Has not been previously published as pathogenic or benign to our knowledge

Labcorp Genetics (formerly Invitae), Labcorp
Classification: Uncertain significance for Intellectual disability, autosomal recessive 53. Last evaluated: 2022-10-18. Review status: criteria provided, single submitter. Criteria: Invitae Variant Classification Sherloc (09022015). Collection method: clinical testing. Allele origin: germline.
Comment: This sequence change replaces valine, which is neutral and non-polar, with isoleucine, which is neutral and non-polar, at codon 486 of the PIGG protein (p.Val486Ile). This variant is present in population databases (rs747223582, gnomAD 0.02%). This variant has not been reported in the literature in individuals affected with PIGG-related conditions. ClinVar contains an entry for this variant (Variation ID: 953327). Advanced modeling of protein sequence and biophysical properties (such as structural, functional, and spatial information, amino acid conservation, physicochemical variation, residue mobility, and thermodynamic stability) performed at Invitae indicates that this missense variant is not expected to disrupt PIGG protein function. In summary, the available evidence is currently insufficient to determine the role of this variant in disease. Therefore, it has been classified as a Variant of Uncertain Significance.